The following is an entry in ClinVar:

NM_001290060.2(SEMA3B):c.696G>A (p.Pro232=)

Genes: SEMA3B (semaphorin 3B; plus strand), LOC129936787 (ATAC-STARR-seq lymphoblastoid active region 19897; plus strand). Cytogenetic location: 3p21.31.
Variant type: single nucleotide variant.
Coding change: c.696G>A on transcript NM_001290060.2 (MANE Select); coding-DNA position 696, G replaced by A.
Protein change: p.Pro232=; no amino-acid change (proline 232 retained).
Molecular consequence: synonymous variant. On other transcripts: 5 prime UTR variant (1), intron variant (1).
Genome position (GRCh38, 1-based): chr3:50,273,329, G>A. VCF-style: chr3-50273329-G-A. GRCh37 (hg19) VCF-style: chr3-50310760-G-A.
Other names: c.696G>A, p.Pro232= (NM_001005914.3, NM_001290061.1, NM_004636.4); c.-331G>A (NM_001290062.2); c.-220+15G>A (NM_001290063.2).
Identifiers: ClinVar variation 3029421 (VCV003029421.1), dbSNP rs1701110982, ClinGen allele CA433861977.

ClinVar aggregate classification (germline): Likely benign (1 of 4 stars; one submission).

Conditions:
SEMA3B-related disorder. Also called: SEMA3B-related condition.

Submission:

PreventionGenetics, part of Exact Sciences
Classification: Likely benign for SEMA3B-related condition. Last evaluated: 2022-04-28. Review status: criteria provided, single submitter. Criteria: ACMG Guidelines, 2015. Collection method: clinical testing. Allele origin: germline.
Comment: This variant is classified as likely benign based on ACMG/AMP sequence variant interpretation guidelines (Richards et al. 2015 PMID: 25741868, with internal and published modifications).